The following is an entry in ClinVar:

NM_001165963.4(SCN1A):c.3975A>C (p.Arg1325Ser)

Genes: SCN1A (sodium voltage-gated channel alpha subunit 1; minus strand), LOC102724058 (uncharacterized LOC102724058; plus strand). Cytogenetic location: 2q24.3.
Variant type: single nucleotide variant.
Coding change: c.3975A>C on transcript NM_001165963.4 (MANE Select); coding-DNA position 3975, A replaced by C.
Protein change: p.Arg1325Ser; replaces arginine 1325 with serine.
Molecular consequence: missense variant. On other transcripts: non-coding transcript variant (1).
Genome position (GRCh38, 1-based): chr2:166,009,746, T>G on the plus strand (A>C on the coding strand, the complement: SCN1A is on the minus strand). VCF-style: chr2-166009746-T-G. GRCh37 (hg19) VCF-style: chr2-166866256-T-G.
Other names: c.3939A>C, p.Arg1313Ser (NM_001353955.2, NM_001353954.2); c.3891A>C, p.Arg1297Ser (NM_001353957.2, NM_001353958.2, NM_001165964.3); c.3888A>C, p.Arg1296Ser (NM_001353960.2); c.1533A>C, p.Arg511Ser (NM_001353961.2); c.3942A>C, p.Arg1314Ser (NM_006920.6, NM_001353949.2, NM_001353950.2 and 2 more transcripts); c.3975A>C, p.Arg1325Ser (NM_001202435.3, NM_001353948.2); short protein forms R1296S, R1313S, R1314S, R511S, R1297S, R1325S.
Identifiers: ClinVar variation 944887 (VCV000944887.10), dbSNP rs1692159292, ClinGen allele CA349052985.
Genomic context (GRCh38, chr2:166,009,746, plus strand): 5'-ATACAATACTTCAGGTTCTTTCATTTTTCTTACCCTCATCCCTTCAAATCGAGATAAGGC[T>G]CTTAGAGGTCTCAGAGCTCTTAGTGTCCTGAGAGATTTGATGGCTCCAAGTTCTGAGTAA-3'
Protein context (NP_001159435.1, residues 1315-1335): LRTLRALRPL[Arg1325Ser]ALSRFEGMRV

ClinVar aggregate classification (germline): Uncertain significance (1 of 4 stars; one submission).

Conditions:
Early-infantile DEE. Also called: Early infantile epileptic encephalopathy; Ohtahara syndrome; Early infantile epileptic encephalopathy with suppression bursts. Identifiers: Orphanet 1934, MedGen C0393706, MONDO:0800491.

Submission:

Labcorp Genetics (formerly Invitae), Labcorp
Classification: Uncertain significance for Early-infantile DEE. Last evaluated: 2019-04-19. Review status: criteria provided, single submitter. Criteria: Invitae Variant Classification Sherloc (09022015). Collection method: clinical testing. Allele origin: germline.
Comment: Algorithms developed to predict the effect of missense changes on protein structure and function (SIFT, PolyPhen-2, Align-GVGD) all suggest that this variant is likely to be disruptive, but these predictions have not been confirmed by published functional studies and their clinical significance is uncertain. This variant disrupts the p.Arg1325 amino acid residue in SCN1A. Other variant(s) that disrupt this residue have been observed in individuals with SCN1A-related conditions (PMID: 23195492, 23884151), which suggests that this may be a clinically significant amino acid residue. In summary, the available evidence is currently insufficient to determine the role of this variant in disease. Therefore, it has been classified as a Variant of Uncertain Significance. This sequence change replaces arginine with serine at codon 1325 of the SCN1A protein (p.Arg1325Ser). The arginine residue is highly conserved and there is a moderate physicochemical difference between arginine and serine. This variant is not present in population databases (ExAC no frequency). This variant has not been reported in the literature in individuals with SCN1A-related conditions.

Literature cited by the submitters: PubMed 23195492; PubMed 23884151.